The following is an entry in ClinVar:

ClinVar aggregate classification (germline): Uncertain significance. Review status: criteria provided, multiple submitters, no conflicts (2 of 4 stars). 2 submissions from 2 submitters: Uncertain significance (2). Last evaluated 2022-10-25.

Conditions:
Charcot-Marie-Tooth disease. Also called: Charcot-Marie-Tooth Neuropathy; Charcot-Marie-Tooth Hereditary Neuropathy. Identifiers: Orphanet 166, MedGen C0007959, MONDO:0015626.
Charcot-Marie-Tooth disease type 4. Also called: Charcot-Marie-Tooth, Type 4; Charcot-Marie-Tooth disease, type IV. Identifiers: Orphanet 64749, MedGen C4082197, MONDO:0018995.

Allele frequency attached by ClinVar (database versions not stated): gnomAD 0.00003 and 0.00004; TOPMed 0.00003; gnomAD exomes 0.00004; ExAC 0.00005.
gnomAD v4.1: 37 of 1,612,600 alleles (0.0023%); highest among the groups gnomAD compares: Admixed American, 0.022%; no homozygotes.

Submissions (2):

Labcorp Genetics (formerly Invitae), Labcorp
Classification: Uncertain significance for Charcot-Marie-Tooth disease type 4. Last evaluated: 2022-10-25. Review status: criteria provided, single submitter. Criteria: Invitae Variant Classification Sherloc (09022015). Collection method: clinical testing. Allele origin: germline.
Comment: This sequence change replaces arginine, which is basic and polar, with glutamine, which is neutral and polar, at codon 1434 of the PRX protein (p.Arg1434Gln). This variant is present in population databases (rs759435622, gnomAD 0.03%). This missense change has been observed in individual(s) with clinical features of Charcot-Marie-Tooth disease (PMID: 32376792). ClinVar contains an entry for this variant (Variation ID: 543420). Algorithms developed to predict the effect of missense changes on protein structure and function (SIFT, PolyPhen-2, Align-GVGD) all suggest that this variant is likely to be tolerated. In summary, the available evidence is currently insufficient to determine the role of this variant in disease. Therefore, it has been classified as a Variant of Uncertain Significance.

Molecular Genetics Laboratory, London Health Sciences Centre
Classification: Uncertain significance for Charcot-Marie-Tooth disease. Review status: criteria provided, single submitter. Criteria: ACMG Guidelines, 2015. Collection method: clinical testing. Allele origin: germline. Affected: yes.

Literature cited by the submitters: PubMed 32376792 (cited by Labcorp Genetics (formerly Invitae), Labcorp).

NM_181882.3(PRX):c.4301G>A (p.Arg1434Gln)

Gene: PRX (periaxin; minus strand). Cytogenetic location: 19q13.2.
Variant type: single nucleotide variant.
Coding change: c.4301G>A on transcript NM_181882.3 (MANE Select); coding-DNA position 4301, G replaced by A.
Protein change: p.Arg1434Gln; replaces arginine 1434 with glutamine.
Molecular consequence: missense variant. On other transcripts: 3 prime UTR variant (1).
Genome position (GRCh38, 1-based): chr19:40,394,051, C>T on the plus strand (G>A on the coding strand, the complement: PRX is on the minus strand). VCF-style: chr19-40394051-C-T. GRCh37 (hg19) VCF-style: chr19-40899958-C-T.
Other names: c.*4506G>A (NM_020956.2); short protein forms R1434Q.
Identifiers: ClinVar variation 543420 (VCV000543420.9), dbSNP rs759435622, ClinGen allele CA9443645.